The following is an entry in ClinVar:

ClinVar aggregate classification (germline): Likely benign (1 of 4 stars; one submission).

Submission:

CeGaT Center for Human Genetics Tuebingen
Classification: Likely benign. Last evaluated: 2025-02-01. Review status: criteria provided, single submitter. Criteria: CeGaT Center For Human Genetics Tuebingen Variant Classification Criteria Version 2. Collection method: clinical testing. Allele origin: germline. Affected: yes. Observed: 1 variant allele.
Comment: NBPF10: BP4, BP7

NM_001302371.3(NBPF10):c.11010C>T (p.Tyr3670=)

Gene: NBPF10 (NBPF member 10; minus strand). Cytogenetic location: 1q21.1.
Variant type: single nucleotide variant.
Coding change: c.11010C>T on transcript NM_001302371.3 (MANE Select); coding-DNA position 11010, C replaced by T.
Protein change: p.Tyr3670=; no amino-acid change (tyrosine 3670 retained).
Molecular consequence: synonymous variant.
Genome position (GRCh38, 1-based): chr1:146,068,028, G>A on the plus strand (C>T on the coding strand, the complement: NBPF10 is on the minus strand). VCF-style: chr1-146068028-G-A. GRCh37 (hg19) VCF-style: chr1-145366974-C-T.
Other names: c.10503C>T, p.Tyr3501= (NM_001039703.6).
Identifiers: ClinVar variation 3771277 (VCV003771277.13).